The following is an entry in ClinVar:

ClinVar aggregate classification (germline): Uncertain significance (1 of 4 stars; one submission).

Conditions:
Aicardi-Goutieres syndrome 6 (AGS6). Identifiers: Orphanet 51, MedGen C3539013, MONDO:0014007, OMIM 615010.
Symmetrical dyschromatosis of extremities (DSH). Also called: Dyschromatosis symmetrica hereditaria; DYSCHROMATOSIS SYMMETRICA HEREDITARIA 1; RETICULATE ACROPIGMENTATION OF DOHI; SYMMETRIC DYSCHROMATOSIS OF THE EXTREMITIES. Identifiers: Orphanet 41, MedGen C0406775, MONDO:0007483, OMIM 127400.

Allele frequency attached by ClinVar (database versions not stated): gnomAD 0.00001; TOPMed 0.00001.
gnomAD v4.1: 18 of 1,614,092 alleles (0.0011%); highest among the groups gnomAD compares: Non-Finnish European, 0.0015%; no homozygotes.

Submission:

Labcorp Genetics (formerly Invitae), Labcorp
Classification: Uncertain significance for Aicardi-Goutieres syndrome 6; Symmetrical dyschromatosis of extremities. Last evaluated: 2022-08-09. Review status: criteria provided, single submitter. Criteria: Invitae Variant Classification Sherloc (09022015). Collection method: clinical testing. Allele origin: germline.
Comment: Algorithms developed to predict the effect of missense changes on protein structure and function output the following: SIFT: "Tolerated"; PolyPhen-2: "Benign"; Align-GVGD: "Class C0". The asparagine amino acid residue is found in multiple mammalian species, which suggests that this missense change does not adversely affect protein function. In summary, the available evidence is currently insufficient to determine the role of this variant in disease. Therefore, it has been classified as a Variant of Uncertain Significance. ClinVar contains an entry for this variant (Variation ID: 1483864). This variant has not been reported in the literature in individuals affected with ADAR-related conditions. This variant is not present in population databases (gnomAD no frequency). This sequence change replaces aspartic acid, which is acidic and polar, with asparagine, which is neutral and polar, at codon 138 of the ADAR protein (p.Asp138Asn).

NM_001111.5(ADAR):c.412G>A (p.Asp138Asn)

Gene: ADAR (adenosine deaminase RNA specific; minus strand). Cytogenetic location: 1q21.3.
Variant type: single nucleotide variant.
Coding change: c.412G>A on transcript NM_001111.5 (MANE Select); coding-DNA position 412, G replaced by A.
Protein change: p.Asp138Asn; replaces aspartic acid 138 with asparagine.
Molecular consequence: missense variant. On other transcripts: 5 prime UTR variant (6).
Genome position (GRCh38, 1-based): chr1:154,602,230, C>T on the plus strand (G>A on the coding strand, the complement: ADAR is on the minus strand). VCF-style: chr1-154602230-C-T. GRCh37 (hg19) VCF-style: chr1-154574706-C-T.
Other names: c.412G>A, p.Asp138Asn (NM_015840.4, NM_015841.4); c.-474G>A (NM_001025107.3, NM_001193495.2, NM_001365046.1 and 3 more transcripts); c.439G>A, p.Asp147Asn (NM_001365045.1); short protein forms D138N, D147N.
Identifiers: ClinVar variation 1483864 (VCV001483864.8), dbSNP rs1232376686, ClinGen allele CA342603181.